The following is an entry in ClinVar:

NM_001277115.2(DNAH11):c.752C>G (p.Ser251Ter)

Gene: DNAH11 (dynein axonemal heavy chain 11; plus strand). Cytogenetic location: 7p15.3.
Variant type: single nucleotide variant.
Coding change: c.752C>G on transcript NM_001277115.2 (MANE Select); coding-DNA position 752, C replaced by G.
Protein change: p.Ser251Ter; replaces serine 251 with a stop codon.
Molecular consequence: nonsense.
Genome position (GRCh38, 1-based): chr7:21,559,662, C>G. VCF-style: chr7-21559662-C-G. GRCh37 (hg19) VCF-style: chr7-21599280-C-G.
Other names: c.752C>G, p.Ser251Ter (NM_003777.3); short protein forms S251*.
Identifiers: ClinVar variation 2735825 (VCV002735825.3), dbSNP rs1783373825, ClinGen allele CA366932813.
Genomic context (GRCh38, chr7:21,559,662, plus strand): 5'-GGCCACCGTCAAACGAAAGGATAATACTTCATGCAATTGAATCTGTGGTTATTGAATGGT[C>G]ACATCAAATCCAAGAAATTATAGAAAGAGATTCAGTGCAGCGTTTGTTGAATGGTCTTCA-3'

ClinVar aggregate classification (germline): Pathogenic (1 of 4 stars; one submission).

Conditions:
Primary ciliary dyskinesia. Also called: Ciliary dyskinesia. Identifiers: Orphanet 244, MedGen C0008780, MONDO:0016575, HP:0012265.

Submission:

Labcorp Genetics (formerly Invitae), Labcorp
Classification: Pathogenic for Primary ciliary dyskinesia. Last evaluated: 2023-07-03. Review status: criteria provided, single submitter. Criteria: Invitae Variant Classification Sherloc (09022015). Collection method: clinical testing. Allele origin: germline.
Comment: For these reasons, this variant has been classified as Pathogenic. This variant has not been reported in the literature in individuals affected with DNAH11-related conditions. This variant is not present in population databases (gnomAD no frequency). This sequence change creates a premature translational stop signal (p.Ser251*) in the DNAH11 gene. It is expected to result in an absent or disrupted protein product. Loss-of-function variants in DNAH11 are known to be pathogenic (PMID: 18022865, 20513915, 22184204).

Literature cited by the submitters: PubMed 18022865; PubMed 20513915; PubMed 22184204.